The following is an entry in ClinVar:

NM_000137.4(FAH):c.830C>T (p.Pro277Leu)

Gene: FAH (fumarylacetoacetate hydrolase; plus strand). Cytogenetic location: 15q25.1.
Variant type: single nucleotide variant.
Coding change: c.830C>T on transcript NM_000137.4 (MANE Select); coding-DNA position 830, C replaced by T.
Protein change: p.Pro277Leu; replaces proline 277 with leucine.
Molecular consequence: missense variant.
Genome position (GRCh38, 1-based): chr15:80,173,137, C>T. VCF-style: chr15-80173137-C-T. GRCh37 (hg19) VCF-style: chr15-80465479-C-T.
Other names: c.830C>T, p.Pro277Leu (NM_001374377.1, NM_001374380.1); c.830C>T (NM_000137.2); short protein forms P277L.
Identifiers: ClinVar variation 2145618 (VCV002145618.5), dbSNP rs574779745, ClinGen allele CA7691346.

ClinVar aggregate classification (germline): Uncertain significance. Review status: criteria provided, multiple submitters, no conflicts (2 of 4 stars). 3 submissions from 3 submitters: Uncertain significance (2). 1 of the submissions does not count toward it. Last evaluated 2024-05-11.

Conditions:
FAH-related disorder. Also called: FAH-related condition.
Tyrosinemia type I (TYRSN1). Also called: Tyrosinemia type 1; Fumarylacetoacetase deficiency; Deficiency of fumarylacetoacetase; FAH DEFICIENCY; HEPATORENAL TYROSINEMIA. Identifiers: Orphanet 882, MedGen C0268490, MONDO:0010161, OMIM 276700. Disease mechanism: loss of function.

Allele frequency attached by ClinVar (database versions not stated): gnomAD 0.00002; gnomAD exomes 0.00002; ExAC 0.00003; 1000 Genomes Project 0.00020; 1000 Genomes Project 30x 0.00031.
gnomAD v4.1: 33 of 1,614,228 alleles (0.002%); highest among the groups gnomAD compares: South Asian, 0.0099%; no homozygotes.

Submissions (3):

Fulgent Genetics
Classification: Uncertain significance for Tyrosinemia type I. Last evaluated: 2024-05-11. Review status: criteria provided, single submitter. Criteria: ACMG Guidelines, 2015. Collection method: clinical testing. Allele origin: germline.

Labcorp Genetics (formerly Invitae), Labcorp
Classification: Uncertain significance for Tyrosinemia type I. Last evaluated: 2023-08-30. Review status: criteria provided, single submitter. Criteria: Invitae Variant Classification Sherloc (09022015). Collection method: clinical testing. Allele origin: germline.
Comment: This sequence change replaces proline, which is neutral and non-polar, with leucine, which is neutral and non-polar, at codon 277 of the FAH protein (p.Pro277Leu). This variant is present in population databases (rs574779745, gnomAD 0.01%). This variant has not been reported in the literature in individuals affected with FAH-related conditions. ClinVar contains an entry for this variant (Variation ID: 2145618). Advanced modeling of protein sequence and biophysical properties (such as structural, functional, and spatial information, amino acid conservation, physicochemical variation, residue mobility, and thermodynamic stability) performed at Invitae indicates that this missense variant is not expected to disrupt FAH protein function. In summary, the available evidence is currently insufficient to determine the role of this variant in disease. Therefore, it has been classified as a Variant of Uncertain Significance.

PreventionGenetics, part of Exact Sciences
Classification: Uncertain significance for FAH-related condition. Last evaluated: 2024-05-28. Review status: no assertion criteria provided. Collection method: clinical testing. Allele origin: germline. Not counted in ClinVar's aggregate classification.
Comment: The FAH c.830C>T variant is predicted to result in the amino acid substitution p.Pro277Leu. To our knowledge, this variant has not been reported in the literature. This variant is reported in 0.0098% of alleles in individuals of South Asian descent in gnomAD. At this time, the clinical significance of this variant is uncertain due to the absence of conclusive functional and genetic evidence.